The following continues an entry in ClinVar:

NM_000435.3(NOTCH3):c.397C>T (p.Arg133Cys)

Gene: NOTCH3. ClinVar aggregate classification (germline): Pathogenic/Likely pathogenic. Pathogenic (20); Likely pathogenic (1).

Submissions 13 to 23 of 23:

ARUP Laboratories, Molecular Genetics and Genomics, ARUP Laboratories
Classification: Pathogenic. Last evaluated: 2022-04-21. Review status: criteria provided, single submitter. Criteria: ARUP Molecular Germline Variant Investigation Process 2021. Collection method: clinical testing. Allele origin: germline.
Comment: The NOTCH3 c.397C>T; p.Arg133Cys variant (rs137852642) has been described in multiple individuals affected with CADASIL (Joutel 1997, Maclean 2005, Mykkanen 2004). This variant is reported as pathogenic or likely pathogenic in ClinVar (Variation ID: 9225), and is absent from general population databases (1000 Genomes Project, Exome Variant Server, and Genome Aggregation Database), indicating it is not a common polymorphism. The arginine at codon 133 is moderately conserved, and computational algorithms (PolyPhen-2, SIFT) predict that this variant is deleterious. In vitro characterization of this variant protein demonstrates increased spontaneous multimerization compared to wild-type (Opherk 2009). Based on available information, this variant is considered to be pathogenic. References: Joutel A et al. Strong clustering and stereotyped nature of Notch3 mutations in CADASIL patients. Lancet. 1997 Nov 22;350(9090):1511-5. Maclean A et al. Spontaneous lobar haemorrhage in CADASIL. J Neurol Neurosurg Psychiatry. 2005 Mar;76(3):456-7. Mykkanen K et al. Detection of the founder effect in Finnish CADASIL families. Eur J Hum Genet. 2004 Oct;12(10):813-9. Opherk C et al. CADASIL mutations enhance spontaneous multimerization of NOTCH3. Hum Mol Genet. 2009 Aug 1;18(15):2761-7.

Athena Diagnostics
Classification: Pathogenic. Last evaluated: 2022-02-28. Review status: criteria provided, single submitter. Criteria: Athena Diagnostics Criteria. Collection method: clinical testing. Allele origin: unknown.
Comment: The frequency of this variant in the general population is consistent with pathogenicity (Genome Aggregation Database (gnomAD), Cambridge, MA (URL)). This variant has been identified in at least one individual with cerebral arteriopathy with subcortical infarcts and leukoencephalopathy (CADASIL). This variant occurs as the most likely explanation for disease in a significant number of internal cases, suggesting this variant is associated with disease. Assessment of experimental evidence suggests this variant results in abnormal protein function. The variant causes protein aggregation and ER retention, resulting in impaired cell proliferation (PMID: 19825845). This variant alters a critical location within the protein, and is expected to severely affect function and cause disease. Greater than 90% of pathogenic variants identified in NOTCH3 involve the gain or loss of a cysteine residue within the epidermal growth factor (EGF)-like repeat domain.

Laboratory of Medical Genetics, National & Kapodistrian University of Athens
Classification: Pathogenic for Cerebral arteriopathy, autosomal dominant, with subcortical infarcts and leukoencephalopathy, type 1. Last evaluated: 2021-10-01. Review status: criteria provided, single submitter. Criteria: ACMG Guidelines, 2015. Collection method: clinical testing. Allele origin: unknown. Affected: yes.
Comment: PM1, PM2, PP2, PP3, PP5

CeGaT Center for Human Genetics Tuebingen
Classification: Pathogenic. Last evaluated: 2021-07-01. Review status: criteria provided, single submitter. Criteria: CeGaT Center For Human Genetics Tuebingen Variant Classification Criteria Version 2. Collection method: clinical testing. Allele origin: germline. Affected: yes. Observed: 3 variant alleles.

Institute of Human Genetics Munich, TUM University Hospital
Classification: Pathogenic for Cerebral arteriopathy, autosomal dominant, with subcortical infarcts and leukoencephalopathy, type 1. Last evaluated: 2020-12-21. Review status: criteria provided, single submitter. Criteria: Classification criteria August 2017. Collection method: clinical testing. Allele origin: germline. Inheritance: Autosomal dominant inheritance. Affected: yes. Observed: 1 variant allele.

North West Genomic Laboratory Hub, Manchester University NHS Foundation Trust
Classification: Pathogenic for Cerebral arteriopathy, autosomal dominant, with subcortical infarcts and leukoencephalopathy, type 1; Myofibromatosis, infantile, 2; Lateral meningocele syndrome. Last evaluated: 2020-04-27. Review status: criteria provided, single submitter. Criteria: ACMG Guidelines, 2015. Collection method: clinical testing. Allele origin: germline. Affected: yes.
Comment: Criteria Codes: PS3_Str PS4_Mod PM1_Str PP1_Str PP2

Centre for Mendelian Genomics, University Medical Centre Ljubljana
Classification: Pathogenic for Cerebral arteriopathy, autosomal dominant, with subcortical infarcts and leukoencephalopathy, type 1. Last evaluated: 2016-01-01. Review status: criteria provided, single submitter. Criteria: ACMG Guidelines, 2015. Collection method: clinical testing. Allele origin: unknown. Affected: yes.
Comment: This variant was classified as: Pathogenic. The following ACMG criteria were applied in classifying this variant: PS1,PM1,PM2,PP2,PP3.

Centre for Mendelian Genomics, University Medical Centre Ljubljana
Classification: Likely pathogenic for Recurrent subcortical infarcts. Last evaluated: 2013-11-28. Review status: criteria provided, single submitter. Criteria: ACMG Guidelines, 2015. Collection method: clinical testing. Allele origin: unknown. Affected: yes.

Neuberg Centre For Genomic Medicine, NCGM
Classification: Pathogenic for Cerebral arteriopathy, autosomal dominant, with subcortical infarcts and leukoencephalopathy, type 1. Review status: criteria provided, single submitter. Criteria: ACMG Guidelines, 2015. Collection method: clinical testing. Allele origin: germline. Inheritance: Autosomal dominant inheritance. Affected: yes.
Comment: The observed missense c.397C>T(p.Arg133Cys) in NOTCH3 gene has been reported in heterozygous state in individuals affected with CADSIL (Li J, et. al.,2022; Mönkäre S, et. al., 2022).Experimental studies suggests that the variant causes protein aggregation and ER retention, resulting in impaired cell proliferation (Schoemaker D, et. al., 2021). This variant is present with an allele frequency of 0.0004% in gnomAD Exomes database. This variant has been submitted to the ClinVar database as Likely pathogenic/Pathogenic (multiple submission). The amino acid change p.Arg133Cys in NOTCH3 is predicted as conserved by GERP++ and PhyloP across 100 vertebrates. The amino acid Arg at position 133 is changed to a Cys changing protein sequence and it might alter its composition and physico-chemical properties. Multiple lines of computational evidence (Polyphen - Damaging, SIFT -probably Damaging, and MutationTaster - disease causing automatic) predict a damaging effect on protein structure and function for this variant. For these reasons, this variant has been classified as Pathogenic.

OMIM
Classification: Pathogenic for CEREBRAL ARTERIOPATHY, AUTOSOMAL DOMINANT, WITH SUBCORTICAL INFARCTS AND LEUKOENCEPHALOPATHY, TYPE 1. Last evaluated: 2009-08-01. Review status: no assertion criteria provided. Collection method: literature only. Allele origin: germline. Not counted in ClinVar's aggregate classification.

GeneReviews
No classification provided. Condition: Cerebral arteriopathy, autosomal dominant, with subcortical infarcts and leukoencephalopathy, type 1. Review status: no classification provided. Collection method: literature only. Allele origin: germline. Not counted in ClinVar's aggregate classification.

Literature cited by the submitters: PubMed 10969905 (cited by 4 submitters); PubMed 22019870 (cited by Labcorp Genetics (formerly Invitae), Labcorp and Athena Diagnostics); PubMed 28334938 (cited by 3 submitters); PubMed 32277177 (cited by Women's Health and Genetics/Laboratory Corporation of America, LabCorp and Athena Diagnostics); PubMed 34335700 (cited by 3billion and Mayo Clinic Laboratories, Mayo Clinic); PubMed 19825845 (cited by 4 submitters); PubMed 9388399 (cited by 4 submitters); PubMed 15378071 (cited by 4 submitters); PubMed 19417009 (cited by 4 submitters); PubMed 28534048 (cited by Athena Diagnostics); PubMed 25604251 (cited by Athena Diagnostics); PubMed 11715067 (cited by Athena Diagnostics and North West Genomic Laboratory Hub, Manchester University NHS Foundation Trust); PubMed 26261665 (cited by Athena Diagnostics); PubMed 11771160 (cited by Athena Diagnostics); PubMed 15350543 (cited by Athena Diagnostics and North West Genomic Laboratory Hub, Manchester University NHS Foundation Trust); PubMed 25819272 (cited by Athena Diagnostics); PubMed 11486103 (cited by 3 submitters); PubMed 10227618 (cited by Athena Diagnostics); PubMed 10371548 (cited by Athena Diagnostics); PubMed 10854111 (cited by Athena Diagnostics); PubMed 11755616 (cited by Athena Diagnostics); PubMed 12810003 (cited by Athena Diagnostics); PubMed 15364702 (cited by Athena Diagnostics); PubMed 16009764 (cited by Athena Diagnostics); PubMed 22623959 (cited by Athena Diagnostics); PubMed 34008892 (cited by Laboratory of Medical Genetics, National & Kapodistrian University of Athens); PubMed 9021013 (cited by OMIM); PubMed 39191170 (cited by OMIM); PubMed 20301673 (cited by GeneReviews).